The following is an entry in ClinVar:

NM_003737.4(DCHS1):c.9074T>G (p.Leu3025Trp)

Gene: DCHS1 (dachsous cadherin-related 1; minus strand). Cytogenetic location: 11p15.4.
Variant type: single nucleotide variant.
Coding change: c.9074T>G on transcript NM_003737.4 (MANE Select); coding-DNA position 9074, T replaced by G.
Protein change: p.Leu3025Trp; replaces leucine 3025 with tryptophan.
Molecular consequence: missense variant.
Genome position (GRCh38, 1-based): chr11:6,622,602, A>C on the plus strand (T>G on the coding strand, the complement: DCHS1 is on the minus strand). VCF-style: chr11-6622602-A-C. GRCh37 (hg19) VCF-style: chr11-6643833-A-C.
Other names: short protein forms L3025W.
Identifiers: ClinVar variation 4745310 (VCV004745310.1).
Genomic context (GRCh38, chr11:6,622,602, plus strand): 5'-CGGATCTCATCATCCTCTGCAGCCTCTGCTGATCCTCGGCCACTTGAATGTGAAGGGTCC[A>C]AGGAGCCACCACGGGGGTAGGGTCCTCCAGCTCCTGGCCCACCATAGCTGGGAAGAGTCT-3'
Protein context (NP_003728.1, residues 3015-3035): AGGPYPRGGS[Leu3025Trp]DPSHSSGRGS

ClinVar aggregate classification (germline): Uncertain significance (1 of 4 stars; one submission).

Submission:

Labcorp Genetics (formerly Invitae), Labcorp
Classification: Uncertain significance. Last evaluated: 2025-09-05. Review status: criteria provided, single submitter. Criteria: Invitae Variant Classification Sherloc (09022015). Collection method: clinical testing. Allele origin: germline.
Comment: This sequence change replaces leucine, which is neutral and non-polar, with tryptophan, which is neutral and slightly polar, at codon 3025 of the DCHS1 protein (p.Leu3025Trp). This variant is not present in population databases (gnomAD no frequency). This variant has not been reported in the literature in individuals affected with DCHS1-related conditions. Invitae Evidence Modeling of protein sequence and biophysical properties (such as structural, functional, and spatial information, amino acid conservation, physicochemical variation, residue mobility, and thermodynamic stability) indicates that this missense variant is not expected to disrupt DCHS1 protein function with a negative predictive value of 80%. In summary, the available evidence is currently insufficient to determine the role of this variant in disease. Therefore, it has been classified as a Variant of Uncertain Significance.